The following is an entry in ClinVar:

ClinVar aggregate classification (germline): Uncertain significance (1 of 4 stars; one submission).

Conditions:
Succinate-semialdehyde dehydrogenase deficiency (SSADHD). Also called: Succinic Semialdehyde Dehydrogenase Deficiency; SSADH DEFICIENCY; 4-HYDROXYBUTYRIC ACIDURIA; GABA METABOLIC DEFECT. Identifiers: Orphanet 22, MedGen C0268631, MONDO:0010083, OMIM 271980.

Allele frequency attached by ClinVar (database versions not stated): gnomAD exomes below 0.00001; TOPMed below 0.00001.
gnomAD v4.1: 3 of 1,613,976 alleles (0.00019%); highest among the groups gnomAD compares: Non-Finnish European, 0.00025%; no homozygotes.

Submission:

Labcorp Genetics (formerly Invitae), Labcorp
Classification: Uncertain significance for Succinate-semialdehyde dehydrogenase deficiency. Last evaluated: 2020-10-09. Review status: criteria provided, single submitter. Criteria: Invitae Variant Classification Sherloc (09022015). Collection method: clinical testing. Allele origin: germline.
Comment: In summary, the available evidence is currently insufficient to determine the role of this variant in disease. Therefore, it has been classified as a Variant of Uncertain Significance. Nucleotide substitutions within the consensus splice site are a relatively common cause of aberrant splicing (PMID: 17576681, 9536098). Algorithms developed to predict the effect of sequence changes on RNA splicing suggest that this variant is not likely to affect RNA splicing, but this prediction has not been confirmed by published transcriptional studies. This variant has not been reported in the literature in individuals with ALDH5A1-related conditions. This variant is not present in population databases (ExAC no frequency). This sequence change falls in intron 5 of the ALDH5A1 gene. It does not directly change the encoded amino acid sequence of the ALDH5A1 protein, but it affects a nucleotide within the consensus splice site of the intron.

Literature cited by the submitters: PubMed 17576681; PubMed 9536098.

NM_001080.3(ALDH5A1):c.870+4T>A

Gene: ALDH5A1 (aldehyde dehydrogenase 5 family member A1; plus strand). Cytogenetic location: 6p22.3.
Variant type: single nucleotide variant.
Coding change: c.870+4T>A on transcript NM_001080.3 (MANE Select); 4 bases into the intron after coding-DNA position 870, T replaced by A.
Molecular consequence: intron variant.
Genome position (GRCh38, 1-based): chr6:24,515,314, T>A. VCF-style: chr6-24515314-T-A. GRCh37 (hg19) VCF-style: chr6-24515542-T-A.
Other names: c.909+4T>A (NM_170740.1); c.727-5087T>A (NM_001368954.1).
Identifiers: ClinVar variation 1061808 (VCV001061808.6), dbSNP rs1447034711, ClinGen allele CA565928349.
Genomic context (GRCh38, chr6:24,515,314, plus strand): 5'-TGTACTGATCCTCTGGTGTCCAAAATTTCCTTTACTGGTTCAACAACTACAGGAAAGGTA[T>A]GTGACTCAAGTTTCAAAGAAAACAAATGTCTTTCTAATATTTTATCTTGATAGGTTATAA-3'